The following is an entry in ClinVar:

ClinVar aggregate classification (germline): Uncertain significance. Review status: criteria provided, multiple submitters, no conflicts (2 of 4 stars). 3 submissions from 3 submitters: Uncertain significance (3). Last evaluated 2022-08-23.

Conditions:
Inborn genetic diseases. Identifiers: MedGen C0950123, MeSH D030342.
Developmental and epileptic encephalopathy, 36 (DEE36). Also called: ALG13-CDG; Congenital disorder of glycosylation, type Is; Epileptic encephalopathy, early infantile, 36. Identifiers: Orphanet 324422, MedGen C4317295, MONDO:0010472, OMIM 300884.

Allele frequency attached by ClinVar (database versions not stated): TOPMed 0.00001.
gnomAD v4.1: 10 of 1,194,754 alleles (0.00084%); highest among the groups gnomAD compares: Admixed American, 0.0022%; no homozygotes.

Submissions (3):

Labcorp Genetics (formerly Invitae), Labcorp
Classification: Uncertain significance for Developmental and epileptic encephalopathy, 36. Last evaluated: 2022-08-23. Review status: criteria provided, single submitter. Criteria: Invitae Variant Classification Sherloc (09022015). Collection method: clinical testing. Allele origin: germline.
Comment: This sequence change replaces arginine, which is basic and polar, with cysteine, which is neutral and slightly polar, at codon 318 of the ALG13 protein (p.Arg318Cys). The frequency data for this variant in the population databases is considered unreliable, as metrics indicate poor data quality at this position in the gnomAD database. This variant has not been reported in the literature in individuals affected with ALG13-related conditions. ClinVar contains an entry for this variant (Variation ID: 649577). Algorithms developed to predict the effect of missense changes on protein structure and function are either unavailable or do not agree on the potential impact of this missense change (SIFT: "Deleterious"; PolyPhen-2: "Probably Damaging"; Align-GVGD: "Class C0"). In summary, the available evidence is currently insufficient to determine the role of this variant in disease. Therefore, it has been classified as a Variant of Uncertain Significance.

Fulgent Genetics
Classification: Uncertain significance for Developmental and epileptic encephalopathy, 36. Last evaluated: 2021-08-17. Review status: criteria provided, single submitter. Criteria: ACMG Guidelines, 2015. Collection method: clinical testing. Allele origin: unknown.

Ambry Genetics
Classification: Uncertain significance for Inborn genetic diseases. Last evaluated: 2018-12-22. Review status: criteria provided, single submitter. Criteria: Ambry Variant Classification Scheme 2023. Collection method: clinical testing. Allele origin: germline.
Comment: The p.R318C variant (also known as c.952C>T), located in coding exon 8 of the ALG13 gene, results from a C to T substitution at nucleotide position 952. The arginine at codon 318 is replaced by cysteine, an amino acid with highly dissimilar properties. This amino acid position is highly conserved in available vertebrate species. In addition, the in silico prediction for this alteration is inconclusive. Since supporting evidence is limited at this time, the clinical significance of this alteration remains unclear.

NM_001099922.3(ALG13):c.952C>T (p.Arg318Cys)

Gene: ALG13 (ALG13 UDP-N-acetylglucosaminyltransferase subunit; plus strand). Cytogenetic location: Xq23.
Variant type: single nucleotide variant.
Coding change: c.952C>T on transcript NM_001099922.3 (MANE Select); coding-DNA position 952, C replaced by T.
Protein change: p.Arg318Cys; replaces arginine 318 with cysteine.
Molecular consequence: missense variant. On other transcripts: non-coding transcript variant (1).
Genome position (GRCh38, 1-based): chrX:111,713,244, C>T. VCF-style: chrX-111713244-C-T. GRCh37 (hg19) VCF-style: chrX-110956472-C-T.
Other names: c.640C>T, p.Arg214Cys (NM_001257230.2, NM_001257234.2, NM_001257237.2 and 1 more transcripts); c.718C>T, p.Arg240Cys (NM_001257231.2); c.952C>T, p.Arg318Cys (NM_001324292.2); short protein forms R214C, R318C, R240C.
Identifiers: ClinVar variation 649577 (VCV000649577.9), dbSNP rs775191661, ClinGen allele CA10493628.
Genomic context (GRCh38, chrX:111,713,244, plus strand): 5'-CAAATTATGTCTTCCCACTTACCTTTGTTTTCCCCATATAGTCGGGATTTCATTCTTTAT[C>T]GCTTTCCTGGAAAACCTCCAACTTATGTCACAGATAATGGCTATGAAGACAAGGTAAGAA-3'
Protein context (NP_001093392.1, residues 308-328): LIYNRDFILY[Arg318Cys]FPGKPPTYVT